The following is an entry in ClinVar:

ClinVar aggregate classification (germline): Uncertain significance. Review status: criteria provided, multiple submitters, no conflicts (2 of 4 stars). 2 submissions from 2 submitters: Uncertain significance (2). Last evaluated 2025-02-08.

Conditions:
Inborn genetic diseases. Identifiers: MedGen C0950123, MeSH D030342.
Joubert syndrome 21 (JBTS21). Identifiers: MedGen C3810212, MONDO:0014288, OMIM 615636.

Allele frequency attached by ClinVar (database versions not stated): gnomAD exomes 0.00002 and 0.00001; TOPMed 0.00002; ExAC 0.00001.
gnomAD v4.1: 8 of 1,612,188 alleles (0.0005%); highest among the groups gnomAD compares: Admixed American, 0.013%; no homozygotes.

Submissions (2):

Ambry Genetics
Classification: Uncertain significance for Inborn genetic diseases. Last evaluated: 2025-02-08. Review status: criteria provided, single submitter. Criteria: Ambry Variant Classification Scheme 2023. Collection method: clinical testing. Allele origin: germline.

Labcorp Genetics (formerly Invitae), Labcorp
Classification: Uncertain significance for Joubert syndrome 21. Last evaluated: 2021-08-27. Review status: criteria provided, single submitter. Criteria: Invitae Variant Classification Sherloc (09022015). Collection method: clinical testing. Allele origin: germline.
Comment: This sequence change replaces valine with leucine at codon 1042 of the CSPP1 protein (p.Val1042Leu). The valine residue is weakly conserved and there is a small physicochemical difference between valine and leucine. This variant is present in population databases (rs755275549, ExAC 0.009%). This variant has not been reported in the literature in individuals affected with CSPP1-related conditions. Algorithms developed to predict the effect of missense changes on protein structure and function output the following: SIFT: "Tolerated"; PolyPhen-2: "Benign"; Align-GVGD: "Class C0". The leucine amino acid residue is found in multiple mammalian species, which suggests that this missense change does not adversely affect protein function. In summary, the available evidence is currently insufficient to determine the role of this variant in disease. Therefore, it has been classified as a Variant of Uncertain Significance.

NM_001382391.1(CSPP1):c.3139G>C (p.Val1047Leu)

Genes: ARFGEF1 (ARF guanine nucleotide exchange factor 1; minus strand), CSPP1 (centrosome and spindle pole associated protein 1; plus strand). Cytogenetic location: 8q13.2.
Variant type: single nucleotide variant.
Coding change: c.3139G>C on transcript NM_001382391.1 (MANE Select); coding-DNA position 3139, G replaced by C.
Protein change: p.Val1047Leu; replaces valine 1047 with leucine.
Molecular consequence: missense variant. On other transcripts: intron variant (2).
Genome position (GRCh38, 1-based): chr8:67,177,709, G>C. VCF-style: chr8-67177709-G-C. GRCh37 (hg19) VCF-style: chr8-68089944-G-C.
Other names: c.3025G>C, p.Val1009Leu (NM_001364870.1); c.2971G>C, p.Val991Leu (NM_001438330.1); c.3124G>C, p.Val1042Leu (NM_001438331.1, NM_024790.7); c.2440G>C, p.Val814Leu (NM_001438332.1); c.5368-2137C>G (NM_001413186.1); c.5386-2137C>G (NM_001413187.1); c.2089G>C, p.Val697Leu (NM_001291339.2); c.3058G>C, p.Val1020Leu (NM_001363131.2); and 3 more; short protein forms V1020L, V1009L, V697L, V955L, V1042L, V1047L, V1069L, V982L.
Identifiers: ClinVar variation 1417393 (VCV001417393.6), dbSNP rs755275549, ClinGen allele CA4771069.
Genomic context (GRCh38, chr8:67,177,709, plus strand): 5'-TTAATTTGCTTTTGTTCTCCATTGACTACAGTTGACTTAGATGCCATCCCAAGTGCTAAA[G>C]TACGAGAGCAAAGAATGGTAAGCAACCAGTTACAATTTTTCAAGTTAGTTTTTGGGGGAT-3'
Protein context (NP_001369320.1, residues 1037-1057): VDLDAIPSAK[Val1047Leu]REQRMPRDDT